The following is an entry in ClinVar:

ClinVar aggregate classification (germline): Uncertain significance. Review status: criteria provided, multiple submitters, no conflicts (2 of 4 stars). 2 submissions from 2 submitters: Uncertain significance (2). Last evaluated 2025-05-05.

Conditions:
Hereditary cancer-predisposing syndrome. Also called: Tumor predisposition; Neoplastic Syndromes, Hereditary; Hereditary Cancer Syndrome; Hereditary neoplastic syndrome. Identifiers: Orphanet 140162, MedGen C0027672, MeSH D009386, MONDO:0015356.
Tumor predisposition syndrome 3 (TPDS3). Also called: Melanoma, cutaneous malignant, susceptibility to, 10; Glioma susceptibility 9; LONG TELOMERE SYNDROME, POT1-RELATED; POT1 Tumor Predisposition. Identifiers: Orphanet 618, MedGen C4014476, MONDO:0014368, OMIM 615848.

Submissions (2):

Ambry Genetics
Classification: Uncertain significance for Hereditary cancer-predisposing syndrome. Last evaluated: 2025-05-05. Review status: criteria provided, single submitter. Criteria: Ambry Variant Classification Scheme 2023. Collection method: clinical testing. Allele origin: germline.
Comment: The p.H393Q variant (also known as c.1179T>G), located in coding exon 10 of the POT1 gene, results from a T to G substitution at nucleotide position 1179. The histidine at codon 393 is replaced by glutamine, an amino acid with highly similar properties. This amino acid position is conserved. In addition, this alteration is predicted to be tolerated by in silico analysis. Based on the available evidence, the clinical significance of this variant remains unclear.

Labcorp Genetics (formerly Invitae), Labcorp
Classification: Uncertain significance for Tumor predisposition syndrome 3. Last evaluated: 2021-07-17. Review status: criteria provided, single submitter. Criteria: Invitae Variant Classification Sherloc (09022015). Collection method: clinical testing. Allele origin: germline.
Comment: This sequence change replaces histidine with glutamine at codon 393 of the POT1 protein (p.His393Gln). The histidine residue is weakly conserved and there is a small physicochemical difference between histidine and glutamine. This variant is not present in population databases (ExAC no frequency). This variant has not been reported in the literature in individuals affected with POT1-related conditions. Algorithms developed to predict the effect of missense changes on protein structure and function output the following: SIFT: "Tolerated"; PolyPhen-2: "Benign"; Align-GVGD: "Class C0". The glutamine amino acid residue is found in multiple mammalian species, which suggests that this missense change does not adversely affect protein function. In summary, the available evidence is currently insufficient to determine the role of this variant in disease. Therefore, it has been classified as a Variant of Uncertain Significance.

NM_015450.3(POT1):c.1179T>G (p.His393Gln)

Gene: POT1 (protection of telomeres 1; minus strand). Cytogenetic location: 7q31.33.
Variant type: single nucleotide variant.
Coding change: c.1179T>G on transcript NM_015450.3 (MANE Select); coding-DNA position 1179, T replaced by G.
Protein change: p.His393Gln; replaces histidine 393 with glutamine.
Molecular consequence: missense variant. On other transcripts: non-coding transcript variant (3).
Genome position (GRCh38, 1-based): chr7:124,841,163, A>C on the plus strand (T>G on the coding strand, the complement: POT1 is on the minus strand). VCF-style: chr7-124841163-A-C. GRCh37 (hg19) VCF-style: chr7-124481217-A-C.
Other names: c.1179T>G (NM_015450.2); c.786T>G, p.His262Gln (NM_001042594.2); short protein forms H393Q, H262Q.
Identifiers: ClinVar variation 1368357 (VCV001368357.9), dbSNP rs2116462148, ClinGen allele CA369067723.